The following is an entry in ClinVar:

ClinVar aggregate classification (germline): Benign. Review status: criteria provided, multiple submitters, no conflicts (2 of 4 stars). 4 submissions from 4 submitters: Benign (4). Last evaluated 2026-02-04.

Conditions:
Monilethrix. Also called: Beaded hair. Identifiers: Orphanet 573, MedGen C0546966, MONDO:0008009, HP:0032470.

Allele frequency attached by ClinVar (database versions not stated): gnomAD exomes 0.37119 and 0.40876; 1000 Genomes Project 0.37580; ExAC 0.37845; 1000 Genomes Project 30x 0.38367; gnomAD 0.41322 and 0.41742; TOPMed 0.41568; ESP Exome Variant Server 0.42104.
gnomAD v4.1: 659,181 of 1,611,294 alleles (41%); highest among the groups gnomAD compares: African/African-American, 49%; 137,457 homozygotes.

Submissions (4):

Labcorp Genetics (formerly Invitae), Labcorp
Classification: Benign. Last evaluated: 2026-02-04. Review status: criteria provided, single submitter. Criteria: Invitae Variant Classification Sherloc (09022015). Collection method: clinical testing. Allele origin: germline.

GeneDx
Classification: Benign. Last evaluated: 2018-11-12. Review status: criteria provided, single submitter. Criteria: GeneDx Variant Classification Process June 2021. Collection method: clinical testing. Allele origin: germline. Affected: yes.

Illumina Laboratory Services, Illumina
Classification: Benign for Monilethrix-1. Last evaluated: 2018-01-13. Review status: criteria provided, single submitter. Criteria: ICSL Variant Classification Criteria 13 December 2019. Collection method: clinical testing. Allele origin: germline.
Comment: This variant was observed in the ICSL laboratory as part of a predisposition screen in an ostensibly healthy population. It had not been previously curated by ICSL or reported in the Human Gene Mutation Database (HGMD: prior to June 1st, 2018), and was therefore a candidate for classification through an automated scoring system. Utilizing variant allele frequency, disease prevalence and penetrance estimates, and inheritance mode, an automated score was calculated to assess if this variant is too frequent to cause the disease. Based on the score and internal cut-off values, a variant classified as benign is not then subjected to further curation. The score for this variant resulted in a classification of benign for this disease.

Breakthrough Genomics
Classification: Benign. Review status: criteria provided, single submitter. Criteria: ACMG Guidelines, 2015. Collection method: not provided. Allele origin: germline. Inheritance: Autosomal recessive inheritance. Affected: yes.

NM_002282.3(KRT83):c.1056A>G (p.Glu352=)

Gene: KRT83 (keratin 83; minus strand). Cytogenetic location: 12q13.13.
Variant type: single nucleotide variant.
Coding change: c.1056A>G on transcript NM_002282.3 (MANE Select); coding-DNA position 1056, A replaced by G.
Protein change: p.Glu352=; no amino-acid change (glutamic acid 352 retained).
Molecular consequence: synonymous variant.
Genome position (GRCh38, 1-based): chr12:52,316,099, T>C on the plus strand (A>G on the coding strand, the complement: KRT83 is on the minus strand). VCF-style: chr12-52316099-T-C. GRCh37 (hg19) VCF-style: chr12-52709883-T-C.
Identifiers: ClinVar variation 309504 (VCV000309504.14), dbSNP rs2248473, ClinGen allele CA6577404.